The following is an entry in ClinVar:

ClinVar aggregate classification (germline): Uncertain significance (1 of 4 stars; one submission).

Conditions:
Multiple gastrointestinal atresias. Also called: Multiple intestinal atresia; FAMILIAL INTESTINAL POLYATRESIA SYNDROME. Identifiers: Orphanet 2300, MedGen C0220744, MONDO:0009465.

Allele frequency attached by ClinVar (database versions not stated): TOPMed below 0.00001.
gnomAD v4.1: 16 of 1,614,110 alleles (0.00099%); highest among the groups gnomAD compares: Non-Finnish European, 0.0014%; no homozygotes.

Submission:

Labcorp Genetics (formerly Invitae), Labcorp
Classification: Uncertain significance for Multiple gastrointestinal atresias. Last evaluated: 2021-09-24. Review status: criteria provided, single submitter. Criteria: Invitae Variant Classification Sherloc (09022015). Collection method: clinical testing. Allele origin: germline.
Comment: This sequence change replaces histidine with aspartic acid at codon 230 of the TTC7A protein (p.His230Asp). The histidine residue is weakly conserved and there is a moderate physicochemical difference between histidine and aspartic acid. This variant is not present in population databases (ExAC no frequency). This variant has not been reported in the literature in individuals with TTC7A-related conditions. Algorithms developed to predict the effect of missense changes on protein structure and function (SIFT, PolyPhen-2, Align-GVGD) all suggest that this variant is likely to be tolerated, but these predictions have not been confirmed by published functional studies and their clinical significance is uncertain. In summary, the available evidence is currently insufficient to determine the role of this variant in disease. Therefore, it has been classified as a Variant of Uncertain Significance.

NM_020458.4(TTC7A):c.688C>G (p.His230Asp)

Gene: TTC7A (tetratricopeptide repeat domain 7A; plus strand). Cytogenetic location: 2p21.
Variant type: single nucleotide variant.
Coding change: c.688C>G on transcript NM_020458.4 (MANE Select); coding-DNA position 688, C replaced by G.
Protein change: p.His230Asp; replaces histidine 230 with aspartic acid.
Molecular consequence: missense variant. On other transcripts: 5 prime UTR variant (1).
Genome position (GRCh38, 1-based): chr2:46,978,831, C>G. VCF-style: chr2-46978831-C-G. GRCh37 (hg19) VCF-style: chr2-47205970-C-G.
Other names: c.688C>G, p.His230Asp (NM_001288951.2); c.586C>G, p.His196Asp (NM_001288953.2); c.-217C>G (NM_001288955.2); short protein forms H230D, H196D.
Identifiers: ClinVar variation 1463355 (VCV001463355.5), dbSNP rs757337807, ClinGen allele CA46631861.